The following is an entry in ClinVar:

NM_020207.7(ERCC6L2):c.1543C>A (p.Gln515Lys)

Gene: ERCC6L2 (ERCC excision repair 6 like 2; plus strand). Cytogenetic location: 9q22.32.
Variant type: single nucleotide variant.
Coding change: c.1543C>A on transcript NM_020207.7 (MANE Select); coding-DNA position 1543, C replaced by A.
Protein change: p.Gln515Lys; replaces glutamine 515 with lysine.
Molecular consequence: missense variant. On other transcripts: non-coding transcript variant (1).
Genome position (GRCh38, 1-based): chr9:95,928,088, C>A. VCF-style: chr9-95928088-C-A. GRCh37 (hg19) VCF-style: chr9-98690370-C-A.
Other names: c.1576C>A (NM_001010895.2); c.1543C>A, p.Gln515Lys (NM_001010895.4, NM_001375291.1, NM_001375292.1 and 2 more transcripts); short protein forms Q515K.
Identifiers: ClinVar variation 1449431 (VCV001449431.8), dbSNP rs769736425, ClinGen allele CA5139600.

ClinVar aggregate classification (germline): Uncertain significance. Review status: criteria provided, multiple submitters, no conflicts (2 of 4 stars). 2 submissions from 2 submitters: Uncertain significance (2). Last evaluated 2025-07-28.

Conditions:
Inborn genetic diseases. Identifiers: MedGen C0950123, MeSH D030342.

Allele frequency attached by ClinVar (database versions not stated): TOPMed below 0.00001; ExAC 0.00001.
gnomAD v4.1: 5 of 1,612,486 alleles (0.00031%); highest among the groups gnomAD compares: South Asian, 0.0055%; no homozygotes.

Submissions (2):

Labcorp Genetics (formerly Invitae), Labcorp
Classification: Uncertain significance. Last evaluated: 2025-07-28. Review status: criteria provided, single submitter. Criteria: Invitae Variant Classification Sherloc (09022015). Collection method: clinical testing. Allele origin: germline.
Comment: This sequence change replaces glutamine, which is neutral and polar, with lysine, which is basic and polar, at codon 526 of the ERCC6L2 protein (p.Gln526Lys). This variant is present in population databases (rs769736425, gnomAD 0.003%). This variant has not been reported in the literature in individuals affected with ERCC6L2-related conditions. ClinVar contains an entry for this variant (Variation ID: 1449431). Experimental studies and prediction algorithms are not available or were not evaluated, and the functional significance of this variant is currently unknown. In summary, the available evidence is currently insufficient to determine the role of this variant in disease. Therefore, it has been classified as a Variant of Uncertain Significance.

Ambry Genetics
Classification: Uncertain significance for Inborn genetic diseases. Last evaluated: 2023-05-23. Review status: criteria provided, single submitter. Criteria: Ambry Variant Classification Scheme 2023. Collection method: clinical testing. Allele origin: germline.